The following is an entry in ClinVar:

ClinVar aggregate classification (germline): Uncertain significance (1 of 4 stars; one submission).

Conditions:
GLI3-related disorder. Also called: GLI3-related condition; GLI3-related disorders. Identifiers: MedGen CN239292.

gnomAD v4.1: 11 of 1,607,498 alleles (0.00068%); highest among the groups gnomAD compares: Non-Finnish European, 0.00077%; no homozygotes.

Submission:

PreventionGenetics, part of Exact Sciences
Classification: Uncertain significance for GLI3-related condition. Last evaluated: 2025-09-13. Review status: criteria provided, single submitter. Criteria: ACMG Guidelines, 2015. Collection method: clinical testing. Allele origin: germline.
Comment: The GLI3 c.3568G>T variant is predicted to result in the amino acid substitution p.Ala1190Ser. To our knowledge, this variant has not been reported in the literature. This variant is reported in 0.00089% of alleles in individuals of European (Non-Finnish) descent in gnomAD. At this time, the clinical significance of this variant is uncertain due to the absence of conclusive functional and genetic evidence.

NM_000168.6(GLI3):c.3568G>T (p.Ala1190Ser)

Gene: GLI3 (GLI family zinc finger 3; minus strand). Cytogenetic location: 7p14.1.
Variant type: single nucleotide variant.
Coding change: c.3568G>T on transcript NM_000168.6 (MANE Select); coding-DNA position 3568, G replaced by T.
Protein change: p.Ala1190Ser; replaces alanine 1190 with serine.
Molecular consequence: missense variant.
Genome position (GRCh38, 1-based): chr7:41,965,505, C>A on the plus strand (G>T on the coding strand, the complement: GLI3 is on the minus strand). VCF-style: chr7-41965505-C-A. GRCh37 (hg19) VCF-style: chr7-42005103-C-A.
Other names: short protein forms A1190S.
Identifiers: ClinVar variation 4990410 (VCV004990410.1).